The following is an entry in ClinVar:

ClinVar aggregate classification (germline): Uncertain significance. Review status: criteria provided, multiple submitters, no conflicts (2 of 4 stars). 6 submissions from 6 submitters: Uncertain significance (6). Last evaluated 2024-04-25.

Conditions:
Autosomal recessive cerebellar ataxia-saccadic intrusion syndrome. Also called: VPS13D Movement Disorder; SPINOCEREBELLAR ATAXIA 24. Identifiers: Orphanet 95434, MedGen C1846492, MONDO:0011811, OMIM 607317.
Inborn genetic diseases. Identifiers: MedGen C0950123, MeSH D030342.

Allele frequency attached by ClinVar (database versions not stated): gnomAD 0.00005 and 0.00007; TOPMed 0.00007; ESP Exome Variant Server 0.00008; gnomAD exomes 0.00009 and 0.00010; ExAC 0.00011.
gnomAD v4.1: 144 of 1,614,178 alleles (0.0089%); highest among the groups gnomAD compares: Middle Eastern, 0.099%; 1 homozygote.

Submissions (6):

Blueprint Genetics
Classification: Uncertain significance. Last evaluated: 2024-04-25. Review status: criteria provided, single submitter. Criteria: ACMG Guidelines, 2015. Collection method: clinical testing. Allele origin: germline.

Labcorp Genetics (formerly Invitae), Labcorp
Classification: Uncertain significance. Last evaluated: 2023-10-17. Review status: criteria provided, single submitter. Criteria: Invitae Variant Classification Sherloc (09022015). Collection method: clinical testing. Allele origin: germline.
Comment: This sequence change replaces isoleucine, which is neutral and non-polar, with threonine, which is neutral and polar, at codon 205 of the VPS13D protein (p.Ile205Thr). This variant is present in population databases (rs146889077, gnomAD 0.04%), including at least one homozygous and/or hemizygous individual. This variant has not been reported in the literature in individuals affected with VPS13D-related conditions. ClinVar contains an entry for this variant (Variation ID: 1029395). Advanced modeling of protein sequence and biophysical properties (such as structural, functional, and spatial information, amino acid conservation, physicochemical variation, residue mobility, and thermodynamic stability) has been performed at Invitae for this missense variant, however the output from this modeling did not meet the statistical confidence thresholds required to predict the impact of this variant on VPS13D protein function. In summary, the available evidence is currently insufficient to determine the role of this variant in disease. Therefore, it has been classified as a Variant of Uncertain Significance.

Mayo Clinic Laboratories, Mayo Clinic
Classification: Uncertain significance. Last evaluated: 2023-06-16. Review status: criteria provided, single submitter. Criteria: ACMG Guidelines, 2015. Collection method: clinical testing. Allele origin: germline. Observed: 1 variant allele.

Ambry Genetics
Classification: Uncertain significance for Inborn genetic diseases. Last evaluated: 2022-11-18. Review status: criteria provided, single submitter. Criteria: Ambry Variant Classification Scheme 2023. Collection method: clinical testing. Allele origin: germline.

Baylor Genetics
Classification: Uncertain significance for Autosomal recessive cerebellar ataxia-saccadic intrusion syndrome. Last evaluated: 2020-06-09. Review status: criteria provided, single submitter. Criteria: ACMG Guidelines, 2015. Collection method: clinical testing. Allele origin: unknown. Affected: yes.
Comment: This variant was determined to be of uncertain significance according to ACMG Guidelines, 2015 [PMID:25741868].

Breakthrough Genomics
Classification: Uncertain significance. Review status: criteria provided, single submitter. Criteria: ACMG Guidelines, 2015. Collection method: not provided. Allele origin: germline. Inheritance: Autosomal recessive inheritance. Affected: yes.

NM_015378.4(VPS13D):c.614T>C (p.Ile205Thr)

Gene: VPS13D (vacuolar protein sorting 13 homolog D; plus strand). Cytogenetic location: 1p36.22.
Variant type: single nucleotide variant.
Coding change: c.614T>C on transcript NM_015378.4 (MANE Select); coding-DNA position 614, T replaced by C.
Protein change: p.Ile205Thr; replaces isoleucine 205 with threonine.
Molecular consequence: missense variant.
Genome position (GRCh38, 1-based): chr1:12,253,771, T>C. VCF-style: chr1-12253771-T-C. GRCh37 (hg19) VCF-style: chr1-12313828-T-C.
Other names: p.Ile205Thr; c.614T>C, p.Ile205Thr (NM_018156.4); short protein forms I205T.
Identifiers: ClinVar variation 1029395 (VCV001029395.10), dbSNP rs146889077, ClinGen allele CA601268.